The following is an entry in ClinVar:

NM_000057.4(BLM):c.3238G>C (p.Asp1080His)

Gene: BLM (BLM RecQ like helicase; plus strand). Cytogenetic location: 15q26.1.
Variant type: single nucleotide variant.
Coding change: c.3238G>C on transcript NM_000057.4 (MANE Select); coding-DNA position 3238, G replaced by C.
Protein change: p.Asp1080His; replaces aspartic acid 1080 with histidine.
Molecular consequence: missense variant.
Genome position (GRCh38, 1-based): chr15:90,798,217, G>C. VCF-style: chr15-90798217-G-C. GRCh37 (hg19) VCF-style: chr15-91341447-G-C.
Other names: c.3238G>C (NM_000057.2); c.3238G>C, p.Asp1080His (NM_001287246.2, NM_001287247.2); c.2113G>C, p.Asp705His (NM_001287248.2); short protein forms D1080H, D705H.
Identifiers: ClinVar variation 524808 (VCV000524808.8), dbSNP rs771767745, ClinGen allele CA7738971.

ClinVar aggregate classification (germline): Uncertain significance. Review status: criteria provided, multiple submitters, no conflicts (2 of 4 stars). 3 submissions from 3 submitters: Uncertain significance (2). 1 of the submissions does not count toward it. Last evaluated 2024-08-19.

Conditions:
Hereditary cancer-predisposing syndrome. Also called: Neoplastic Syndromes, Hereditary; Hereditary neoplastic syndrome; Tumor predisposition; Hereditary Cancer Syndrome. Identifiers: Orphanet 140162, MedGen C0027672, MeSH D009386, MONDO:0015356.
Bloom syndrome (BLM). Also called: Bloom-Torre-Machacek syndrome. Identifiers: Orphanet 125, MedGen C0005859, MONDO:0008876, OMIM 210900.

gnomAD v4.1: 52 of 1,608,478 alleles (0.0032%); highest among the groups gnomAD compares: South Asian, 0.056%; 3 homozygotes.

Submissions (3):

Ambry Genetics
Classification: Uncertain significance for Hereditary cancer-predisposing syndrome. Last evaluated: 2024-08-19. Review status: criteria provided, single submitter. Criteria: Ambry Variant Classification Scheme 2023. Collection method: clinical testing. Allele origin: germline.
Comment: The p.D1080H variant (also known as c.3238G>C), located in coding exon 16 of the BLM gene, results from a G to C substitution at nucleotide position 3238. The aspartic acid at codon 1080 is replaced by histidine, an amino acid with similar properties. This amino acid position is well conserved in available vertebrate species. In addition, this alteration is predicted to be tolerated by in silico analysis. Since supporting evidence is limited at this time, the clinical significance of this alteration remains unclear.

Labcorp Genetics (formerly Invitae), Labcorp
Classification: Uncertain significance for Bloom syndrome. Last evaluated: 2024-06-11. Review status: criteria provided, single submitter. Criteria: Invitae Variant Classification Sherloc (09022015). Collection method: clinical testing. Allele origin: germline.
Comment: This sequence change replaces aspartic acid, which is acidic and polar, with histidine, which is basic and polar, at codon 1080 of the BLM protein (p.Asp1080His). This variant is present in population databases (rs771767745, gnomAD 0.05%), including at least one homozygous and/or hemizygous individual. This variant has not been reported in the literature in individuals affected with BLM-related conditions. ClinVar contains an entry for this variant (Variation ID: 524808). Advanced modeling of protein sequence and biophysical properties (such as structural, functional, and spatial information, amino acid conservation, physicochemical variation, residue mobility, and thermodynamic stability) performed at Invitae indicates that this missense variant is not expected to disrupt BLM protein function with a negative predictive value of 80%. In summary, the available evidence is currently insufficient to determine the role of this variant in disease. Therefore, it has been classified as a Variant of Uncertain Significance.

Natera, Inc.
Classification: Uncertain significance for Bloom syndrome. Last evaluated: 2020-09-16. Review status: no assertion criteria provided. Collection method: clinical testing. Allele origin: germline. Not counted in ClinVar's aggregate classification.